The following is an entry in ClinVar:

ClinVar aggregate classification (germline): Uncertain significance. Review status: criteria provided, multiple submitters, no conflicts (2 of 4 stars). 2 submissions from 2 submitters: Uncertain significance (2). Last evaluated 2021-05-01.

Allele frequency attached by ClinVar (database versions not stated): gnomAD exomes below 0.00001; TOPMed below 0.00001.
gnomAD v4.1: 2 of 1,614,206 alleles (0.00012%); highest among the groups gnomAD compares: Non-Finnish European, 0.00017%; no homozygotes.

Submissions (2):

CeGaT Center for Human Genetics Tuebingen
Classification: Uncertain significance. Last evaluated: 2021-05-01. Review status: criteria provided, single submitter. Criteria: CeGaT Center For Human Genetics Tuebingen Variant Classification Criteria Version 2. Collection method: clinical testing. Allele origin: germline. Affected: yes. Observed: 1 variant allele.

GeneDx
Classification: Uncertain significance. Last evaluated: 2016-11-22. Review status: criteria provided, single submitter. Criteria: GeneDx Variant Classification (06012015). Collection method: clinical testing. Allele origin: germline. Affected: yes.
Comment: The E3406K variant in the KMT2C gene has not been reported previously as a pathogenic variant, nor as a benign variant, to our knowledge. The E3406K variant was not observed in approximately 6500 individuals of European and African American ancestry in the NHLBI Exome Sequencing Project, indicating it is not a common benign variant in these populations. The E3406K variant is a non-conservative amino acid substitution, which is likely to impact secondary protein structure as these residues differ in polarity, charge, size and/or other properties. In addition, this substitution occurs at a position that is conserved across species, and in silico analysis predicts this variant is probably damaging to the protein structure/function. We interpret E3406K as a variant of uncertain significance.

NM_170606.3(KMT2C):c.10216G>A (p.Glu3406Lys)

Gene: KMT2C (lysine methyltransferase 2C; minus strand). Cytogenetic location: 7q36.1.
Variant type: single nucleotide variant.
Coding change: c.10216G>A on transcript NM_170606.3 (MANE Select); coding-DNA position 10216, G replaced by A.
Protein change: p.Glu3406Lys; replaces glutamic acid 3406 with lysine.
Molecular consequence: missense variant.
Genome position (GRCh38, 1-based): chr7:152,163,361, C>T on the plus strand (G>A on the coding strand, the complement: KMT2C is on the minus strand). VCF-style: chr7-152163361-C-T. GRCh37 (hg19) VCF-style: chr7-151860446-C-T.
Other names: short protein forms E3406K.
Identifiers: ClinVar variation 373198 (VCV000373198.36), dbSNP rs1057518278, ClinGen allele CA16042590.